The following is an entry in ClinVar:

NM_001370658.1(BTD):c.714C>T (p.Leu238=)

Gene: BTD (biotinidase; plus strand). Cytogenetic location: 3p25.1.
Variant type: single nucleotide variant.
Coding change: c.714C>T on transcript NM_001370658.1 (MANE Select); coding-DNA position 714, C replaced by T.
Protein change: p.Leu238=; no amino-acid change (leucine 238 retained).
Molecular consequence: synonymous variant. On other transcripts: intron variant (6).
Genome position (GRCh38, 1-based): chr3:15,644,630, C>T. VCF-style: chr3-15644630-C-T. GRCh37 (hg19) VCF-style: chr3-15686137-C-T.
Other names: c.714C>T, p.Leu238= (NM_001281723.4, NM_001281724.3, NM_001281725.3 and 18 more transcripts); c.399+2573C>T (NM_001370753.1, NM_001407400.1, NM_001407380.1 and 3 more transcripts).
Identifiers: ClinVar variation 1633686 (VCV001633686.31), dbSNP rs2125501926, ClinGen allele CA432819335.

ClinVar aggregate classification (germline): Likely benign. Review status: criteria provided, multiple submitters, no conflicts (2 of 4 stars). 2 submissions from 2 submitters: Likely benign (2). Last evaluated 2024-06-01.

Conditions:
Biotinidase deficiency. Also called: BTD deficiency; Late-onset biotin-responsive multiple carboxylase deficiency; Biotin deficiency. Identifiers: Orphanet 79241, MedGen C0220754, MONDO:0009665, OMIM 253260.

gnomAD v4.1: 1 of 1,614,190 alleles (0.000062%); no homozygotes.

Submissions (2):

CeGaT Center for Human Genetics Tuebingen
Classification: Likely benign. Last evaluated: 2024-06-01. Review status: criteria provided, single submitter. Criteria: CeGaT Center For Human Genetics Tuebingen Variant Classification Criteria Version 2. Collection method: clinical testing. Allele origin: germline. Affected: yes. Observed: 2 variant alleles.
Comment: BTD: PM2:Supporting, BP4, BP7

Labcorp Genetics (formerly Invitae), Labcorp
Classification: Likely benign for Biotinidase deficiency. Last evaluated: 2021-09-09. Review status: criteria provided, single submitter. Criteria: Invitae Variant Classification Sherloc (09022015). Collection method: clinical testing. Allele origin: germline.